The following is an entry in ClinVar:

NM_001377265.1(MAPT):c.150C>T (p.Thr50=)

Gene: MAPT (microtubule associated protein tau). Cytogenetic location: 17q21.31.
Variant type: single nucleotide variant.
Coding change: c.150C>T on transcript NM_001377265.1 (MANE Select); coding-DNA position 150, C replaced by T.
Protein change: p.Thr50=; no amino-acid change (threonine 50 retained).
Molecular consequence: synonymous variant. On other transcripts: non-coding transcript variant (1), intron variant (3).
Genome position (GRCh38, 1-based): chr17:45,971,875, C>T. VCF-style: chr17-45971875-C-T. GRCh37 (hg19) VCF-style: chr17-44049241-C-T.
Other names: c.150C>T, p.Thr50= (NM_001123066.4, NM_001123067.4, NM_001203251.2 and 5 more transcripts); c.134-6500C>T (NM_001377268.1, NM_016834.5, NM_016841.5).
Identifiers: ClinVar variation 2647851 (VCV002647851.24), dbSNP rs2071713913, ClinGen allele CA500369668.

ClinVar aggregate classification (germline): Likely benign (1 of 4 stars; one submission).

Allele frequency attached by ClinVar (database versions not stated): gnomAD 0.00001; TOPMed 0.00001.
gnomAD v4.1: 6 of 1,613,696 alleles (0.00037%); highest among the groups gnomAD compares: Non-Finnish European, 0.00051%; no homozygotes.

Submission:

CeGaT Center for Human Genetics Tuebingen
Classification: Likely benign. Last evaluated: 2023-01-01. Review status: criteria provided, single submitter. Criteria: CeGaT Center For Human Genetics Tuebingen Variant Classification Criteria Version 2. Collection method: clinical testing. Allele origin: germline. Affected: yes. Observed: 1 variant allele.
Comment: MAPT: BP4, BP7